The following is an entry in ClinVar:

ClinVar aggregate classification (germline): Conflicting classifications of pathogenicity. Review status: criteria provided, conflicting classifications (1 of 4 stars). 4 submissions from 4 submitters: Uncertain significance (2); Likely benign (1). 1 of the submissions does not count toward it. Last evaluated 2026-02-01.

Conditions:
Polycystic kidney disease 4 (PKD4). Also called: Autosomal Recessive Polycystic Kidney Disease – PKHD1; POLYCYSTIC KIDNEY DISEASE 4 WITH OR WITHOUT POLYCYSTIC LIVER DISEASE; POLYCYSTIC KIDNEY AND HEPATIC DISEASE 1; POLYCYSTIC KIDNEY DISEASE, INFANTILE, TYPE I; PKD3. Identifiers: MedGen C4540575, MONDO:0033004, OMIM 263200.
PKHD1-related disorder. Also called: PKHD1-related condition.
Autosomal recessive polycystic kidney disease (ARPKD). Also called: AR polycystic kidney disease. Identifiers: Orphanet 731, Orphanet 8378, MedGen C0085548, MeSH D017044, MONDO:0009889.

Allele frequency attached by ClinVar (database versions not stated): gnomAD 0.00001; TOPMed 0.00004.
gnomAD v4.1: 32 of 1,612,938 alleles (0.002%); highest among the groups gnomAD compares: Admixed American, 0.053%; no homozygotes.

Submissions (4):

Labcorp Genetics (formerly Invitae), Labcorp
Classification: Likely benign for Autosomal recessive polycystic kidney disease. Last evaluated: 2026-02-01. Review status: criteria provided, single submitter. Criteria: Invitae Variant Classification Sherloc (09022015). Collection method: clinical testing. Allele origin: germline.

Fulgent Genetics
Classification: Uncertain significance for Polycystic kidney disease 4. Last evaluated: 2024-05-03. Review status: criteria provided, single submitter. Criteria: ACMG Guidelines, 2015. Collection method: clinical testing. Allele origin: germline.

Eurofins Ntd Llc (ga)
Classification: Uncertain significance. Last evaluated: 2017-07-19. Review status: criteria provided, single submitter. Criteria: EGL Classification Definitions 2015. Collection method: clinical testing. Allele origin: germline. Observed: 2 variant alleles, 2 heterozygotes.

PreventionGenetics, part of Exact Sciences
Classification: Likely benign for PKHD1-related condition. Last evaluated: 2022-10-19. Review status: no assertion criteria provided. Collection method: clinical testing. Allele origin: germline. Not counted in ClinVar's aggregate classification.
Comment: This variant is classified as likely benign based on ACMG/AMP sequence variant interpretation guidelines (Richards et al. 2015 PMID: 25741868, with internal and published modifications).

NM_138694.4(PKHD1):c.7308T>G (p.Thr2436=)

Gene: PKHD1 (PKHD1 ciliary IPT domain containing fibrocystin/polyductin; minus strand). Cytogenetic location: 6p12.2.
Variant type: single nucleotide variant.
Coding change: c.7308T>G on transcript NM_138694.4 (MANE Select); coding-DNA position 7308, T replaced by G.
Protein change: p.Thr2436=; no amino-acid change (threonine 2436 retained).
Molecular consequence: synonymous variant.
Genome position (GRCh38, 1-based): chr6:51,883,135, A>C on the plus strand (T>G on the coding strand, the complement: PKHD1 is on the minus strand). VCF-style: chr6-51883135-A-C. GRCh37 (hg19) VCF-style: chr6-51747933-A-C.
Other names: c.7308T>G, p.Thr2436= (NM_170724.3); c.7308T>G (NM_138694.3).
Identifiers: ClinVar variation 593321 (VCV000593321.16), dbSNP rs771622189, ClinGen allele CA3851977.